The following is an entry in ClinVar:

ClinVar aggregate classification (germline): Benign/Likely benign. Review status: criteria provided, multiple submitters, no conflicts (2 of 4 stars). 3 submissions from 3 submitters: Benign (1); Likely benign (2). Last evaluated 2026-04-22.

Conditions:
Colorectal cancer, susceptibility to, 1. Also called: COLORECTAL ADENOMA AND CANCER, SUSCEPTIBILITY TO; COLORECTAL CANCER, SUSCEPTIBILITY TO, ON CHROMOSOME 9. Identifiers: MedGen C1837315, MONDO:0012132, OMIM 608812.

Submissions (3):

Myriad Genetics, Inc.
Classification: Benign for Colorectal cancer, susceptibility to, 1. Last evaluated: 2026-04-22. Review status: criteria provided, single submitter. Criteria: Myriad Autosomal Dominant, Autosomal Recessive and X-Linked Classification Criteria (2023). Collection method: clinical testing. Allele origin: unknown.
Comment: This variant is considered benign. This variant is a silent/synonymous amino acid change and it is not expected to impact splicing.

Ambry Genetics
Classification: Likely benign. Last evaluated: 2023-04-19. Review status: criteria provided, single submitter. Criteria: Ambry Variant Classification Scheme 2023. Collection method: clinical testing. Allele origin: germline.

Labcorp Genetics (formerly Invitae), Labcorp
Classification: Likely benign. Last evaluated: 2019-12-01. Review status: criteria provided, single submitter. Criteria: Invitae Variant Classification Sherloc (09022015). Collection method: clinical testing. Allele origin: germline.

NM_024642.5(GALNT12):c.165C>G (p.Thr55=)

Gene: GALNT12 (polypeptide N-acetylgalactosaminyltransferase 12; plus strand). Cytogenetic location: 9q22.33.
Variant type: single nucleotide variant.
Coding change: c.165C>G on transcript NM_024642.5 (MANE Select); coding-DNA position 165, C replaced by G.
Protein change: p.Thr55=; no amino-acid change (threonine 55 retained).
Molecular consequence: synonymous variant.
Genome position (GRCh38, 1-based): chr9:98,807,863, C>G. VCF-style: chr9-98807863-C-G. GRCh37 (hg19) VCF-style: chr9-101570145-C-G.
Other names: c.165C>G (NM_024642.4).
Identifiers: ClinVar variation 1142102 (VCV001142102.11), dbSNP rs937292083, ClinGen allele CA466647408.
Genomic context (GRCh38, chr9:98,807,863, plus strand): 5'-GGTGCTGCGGGCGCAGCGTGGGGCCGGGGCCGGGGCTGCCGAGCCGGGACCCCCGCGCAC[C>G]CCGCGCCCCGGGCGGCGCGAGCCGGTCATGCCGCGGCCGCCGGTGCCGGCGAACGCGCTG-3'
Protein context (NP_078918.3, residues 45-65): AGAAEPGPPR[Thr55=]PRPGRREPVM